The following is an entry in ClinVar:

ClinVar aggregate classification (germline): Likely benign (1 of 4 stars; one submission).

Allele frequency attached by ClinVar (database versions not stated): gnomAD exomes 0.00007; ExAC 0.00011; ESP Exome Variant Server 0.00016; gnomAD 0.00021; TOPMed 0.00024.
gnomAD v4.1: 141 of 1,613,508 alleles (0.0087%); highest among the groups gnomAD compares: Admixed American, 0.063%; no homozygotes.

Submission:

CeGaT Center for Human Genetics Tuebingen
Classification: Likely benign. Last evaluated: 2022-09-01. Review status: criteria provided, single submitter. Criteria: CeGaT Center For Human Genetics Tuebingen Variant Classification Criteria Version 2. Collection method: clinical testing. Allele origin: germline. Affected: yes. Observed: 1 variant allele.
Comment: TCHH: BP4, BP7

NM_007113.4(TCHH):c.3786A>G (p.Gln1262=)

Gene: TCHH (trichohyalin; minus strand). Cytogenetic location: 1q21.3.
Variant type: single nucleotide variant.
Coding change: c.3786A>G on transcript NM_007113.4 (MANE Select); coding-DNA position 3786, A replaced by G.
Protein change: p.Gln1262=; no amino-acid change (glutamine 1262 retained).
Molecular consequence: synonymous variant.
Genome position (GRCh38, 1-based): chr1:152,109,431, T>C on the plus strand (A>G on the coding strand, the complement: TCHH is on the minus strand). VCF-style: chr1-152109431-T-C. GRCh37 (hg19) VCF-style: chr1-152081907-T-C.
Identifiers: ClinVar variation 2639187 (VCV002639187.24), dbSNP rs200662790, ClinGen allele CA1098130.